The following is an entry in ClinVar:

NM_001144869.3(LIPT2):c.619G>A (p.Glu207Lys)

Gene: LIPT2 (lipoyl(octanoyl) transferase 2; minus strand). Cytogenetic location: 11q13.4.
Variant type: single nucleotide variant.
Coding change: c.619G>A on transcript NM_001144869.3 (MANE Select); coding-DNA position 619, G replaced by A.
Protein change: p.Glu207Lys; replaces glutamic acid 207 with lysine.
Molecular consequence: missense variant. On other transcripts: 3 prime UTR variant (2).
Genome position (GRCh38, 1-based): chr11:74,492,212, C>T on the plus strand (G>A on the coding strand, the complement: LIPT2 is on the minus strand). VCF-style: chr11-74492212-C-T. GRCh37 (hg19) VCF-style: chr11-74203257-C-T.
Other names: c.*33G>A (NM_001329941.2, NM_001329942.2); c.619G>A (NM_001144869.1); short protein forms E207K.
Identifiers: ClinVar variation 1503567 (VCV001503567.8), dbSNP rs576845542, ClinGen allele CA6184901.
Genomic context (GRCh38, chr11:74,492,212, plus strand): 5'-CTGAGATCAGTGTGCACTTGTAGATCTCCTTAAAGGCCACAAGGAAAGGTGGCATTACTT[C>T]TTCCACGGTGACGTGCCTCTGGAGCTCCTTACTCAAGGAAGTGACGCCTGTCCCAACCAG-3'
Protein context (NP_001138341.1, residues 197-217): KELQRHVTVE[Glu207Lys]VMPPFLVAFK

ClinVar aggregate classification (germline): Uncertain significance. Review status: criteria provided, multiple submitters, no conflicts (2 of 4 stars). 2 submissions from 2 submitters: Uncertain significance (2). Last evaluated 2025-11-03.

Allele frequency attached by ClinVar (database versions not stated): gnomAD exomes 0.00005; 1000 Genomes Project 0.00020; ExAC 0.00005; gnomAD 0.00005 and 0.00006; 1000 Genomes Project 30x 0.00016; TOPMed 0.00023.
gnomAD v4.1: 43 of 1,551,728 alleles (0.0028%); highest among the groups gnomAD compares: Admixed American, 0.024%; no homozygotes.

Submissions (2):

Ambry Genetics
Classification: Uncertain significance. Last evaluated: 2025-11-03. Review status: criteria provided, single submitter. Criteria: Ambry Variant Classification Scheme 2023. Collection method: clinical testing. Allele origin: germline.

Labcorp Genetics (formerly Invitae), Labcorp
Classification: Uncertain significance. Last evaluated: 2023-10-03. Review status: criteria provided, single submitter. Criteria: Invitae Variant Classification Sherloc (09022015). Collection method: clinical testing. Allele origin: germline.
Comment: This sequence change replaces glutamic acid with lysine at codon 207 of the LIPT2 protein (p.Glu207Lys). The glutamic acid residue is highly conserved and there is a small physicochemical difference between glutamic acid and lysine. This variant is present in population databases (rs576845542, gnomAD 0.008%). This variant has not been reported in the literature in individuals affected with LIPT2-related conditions. ClinVar contains an entry for this variant (Variation ID: 1503567). An algorithm developed to predict the effect of missense changes on protein structure and function (PolyPhen-2) suggests that this variant¬†is likely to be tolerated. In summary, the available evidence is currently insufficient to determine the role of this variant in disease. Therefore, it has been classified as a Variant of Uncertain Significance.